The following is an entry in ClinVar:

ClinVar aggregate classification (germline): Uncertain significance. Review status: criteria provided, multiple submitters, no conflicts (2 of 4 stars). 2 submissions from 2 submitters: Uncertain significance (2). Last evaluated 2024-08-27.

Conditions:
Inborn genetic diseases. Identifiers: MedGen C0950123, MeSH D030342.

Allele frequency attached by ClinVar (database versions not stated): ExAC 0.00001; TOPMed 0.00002; gnomAD 0.00003.
gnomAD v4.1: 29 of 1,612,260 alleles (0.0018%); highest among the groups gnomAD compares: Middle Eastern, 0.016%; no homozygotes.

Submissions (2):

Ambry Genetics
Classification: Uncertain significance for Inborn genetic diseases. Last evaluated: 2024-08-27. Review status: criteria provided, single submitter. Criteria: Ambry Variant Classification Scheme 2023. Collection method: clinical testing. Allele origin: germline.

Labcorp Genetics (formerly Invitae), Labcorp
Classification: Uncertain significance. Last evaluated: 2022-05-04. Review status: criteria provided, single submitter. Criteria: Invitae Variant Classification Sherloc (09022015). Collection method: clinical testing. Allele origin: germline.
Comment: This variant has not been reported in the literature in individuals affected with VARS-related conditions. In summary, the available evidence is currently insufficient to determine the role of this variant in disease. Therefore, it has been classified as a Variant of Uncertain Significance. Algorithms developed to predict the effect of missense changes on protein structure and function are either unavailable or do not agree on the potential impact of this missense change (SIFT: "Deleterious"; PolyPhen-2: "Probably Damaging"; Align-GVGD: "Class C0"). This variant is present in population databases (rs761497924, gnomAD 0.003%). This sequence change replaces aspartic acid, which is acidic and polar, with glycine, which is neutral and non-polar, at codon 1124 of the VARS protein (p.Asp1124Gly).

NM_006295.3(VARS1):c.3371A>G (p.Asp1124Gly)

Gene: VARS1 (valyl-tRNA synthetase 1; minus strand). Cytogenetic location: 6p21.33.
Variant type: single nucleotide variant.
Coding change: c.3371A>G on transcript NM_006295.3 (MANE Select); coding-DNA position 3371, A replaced by G.
Protein change: p.Asp1124Gly; replaces aspartic acid 1124 with glycine.
Molecular consequence: missense variant.
Genome position (GRCh38, 1-based): chr6:31,779,454, T>C on the plus strand (A>G on the coding strand, the complement: VARS1 is on the minus strand). VCF-style: chr6-31779454-T-C. GRCh37 (hg19) VCF-style: chr6-31747231-T-C.
Other names: c.3371A>G (NM_006295.2); short protein forms D1124G.
Identifiers: ClinVar variation 1970153 (VCV001970153.6), dbSNP rs761497924, ClinGen allele CA3722691.
Genomic context (GRCh38, chr6:31,779,454, plus strand): 5'-GATGGGGCGGACATGGGGGCCTGAGGCTCACAGTCAGGCCGGATCCGGGTGAGGTTGTAG[T>C]CGGCCCGCAGGGAGCGCACGGCTCGCGTGATGCTTAGCGCCAGCTCAAGGGCGGCTTCTG-3'
Protein context (NP_006286.1, residues 1114-1134): ITRAVRSLRA[Asp1124Gly]YNLTRIRPDC